The following is an entry in ClinVar:

NM_001365999.1(SZT2):c.5274+3A>G

Gene: SZT2 (SZT2 subunit of KICSTOR complex; plus strand). Cytogenetic location: 1p34.2.
Variant type: single nucleotide variant.
Coding change: c.5274+3A>G on transcript NM_001365999.1 (MANE Select); 3 bases into the intron after coding-DNA position 5274, A replaced by G.
Molecular consequence: intron variant.
Genome position (GRCh38, 1-based): chr1:43,431,904, A>G. VCF-style: chr1-43431904-A-G. GRCh37 (hg19) VCF-style: chr1-43897575-A-G.
Other names: c.5103+3A>G (NM_015284.4).
Identifiers: ClinVar variation 1475706 (VCV001475706.6), dbSNP rs1557571353, ClinGen allele CA1165615536.
Genomic context (GRCh38, chr1:43,431,904, plus strand): 5'-AACTCTGCCACTGAGTTTTGTATTTGGGCCAGAGCGTTCCCTCACACAATTCAAGGAGGT[A>G]AGTTGCCCTCCAAACACTGCAGGGTCACCTTGGGGCCCGTCCTTCCCTGGGCCCCAGGCA-3'

ClinVar aggregate classification (germline): Uncertain significance (1 of 4 stars; one submission).

Allele frequency attached by ClinVar (database versions not stated): gnomAD exomes below 0.00001; TOPMed below 0.00001.
gnomAD v4.1: 2 of 1,614,014 alleles (0.00012%); highest among the groups gnomAD compares: Non-Finnish European, 0.00017%; no homozygotes.

Submission:

Labcorp Genetics (formerly Invitae), Labcorp
Classification: Uncertain significance. Last evaluated: 2021-03-25. Review status: criteria provided, single submitter. Criteria: Invitae Variant Classification Sherloc (09022015). Collection method: clinical testing. Allele origin: germline.
Comment: In summary, the available evidence is currently insufficient to determine the role of this variant in disease. Therefore, it has been classified as a Variant of Uncertain Significance. Nucleotide substitutions within the consensus splice site are a relatively common cause of aberrant splicing (PMID: 17576681, 9536098). Algorithms developed to predict the effect of sequence changes on RNA splicing suggest that this variant is not likely to affect RNA splicing, but this prediction has not been confirmed by published transcriptional studies. This variant has not been reported in the literature in individuals with SZT2-related conditions. This variant is not present in population databases (ExAC no frequency). This sequence change falls in intron 35 of the SZT2 gene. It does not directly change the encoded amino acid sequence of the SZT2 protein. It affects a nucleotide within the consensus splice site of the intron.

Literature cited by the submitters: PubMed 17576681; PubMed 9536098.